The following is an entry in ClinVar:

NR_003051.4(RMRP):n.179_181delinsTGG

Gene: RMRP (RNA component of mitochondrial RNA processing endoribonuclease; minus strand). Cytogenetic location: 9p13.3.
Variant type: Indel.
Molecular consequence: non-coding transcript variant (on NR_003051.4).
Genome position: GRCh38 VCF-style: chr9-35657839-GCG-CCA. GRCh37 (hg19) VCF-style: chr9-35657836-GCG-CCA.
Identifiers: ClinVar variation 4536657 (VCV004536657.1).

ClinVar aggregate classification (germline): Uncertain significance (1 of 4 stars; one submission).

Submission:

Women's Health and Genetics/Laboratory Corporation of America, LabCorp
Classification: Uncertain significance. Last evaluated: 2025-11-17. Review status: criteria provided, single submitter. Criteria: LabCorp Variant Classification Summary - May 2015. Collection method: clinical testing. Allele origin: germline.
Comment: Variant summary: RMRP n.178_180delinsTGG (also known as NC_000009.11: chr9:g.35657836_35657838delinsCCA) alters a nucleotide in the non-coding RNA. The frequency of this variant in the general population could not be determined as the technology used for large population databases (ExAC, gnomAD, ESP, 1000G) cannot detect variants of this type. The available data on variant occurrences in the general population are insufficient to allow any conclusion about variant significance. To our knowledge, no occurrence of n.178_180delinsTGG in individuals affected with RMRP-related conditions and no experimental evidence demonstrating its impact on protein function have been reported. No submitters have cited clinical-significance assessments for this variant to ClinVar. Based on the evidence outlined above, the variant was classified as uncertain significance.